The following is an entry in ClinVar:

NM_000059.4(BRCA2):c.3951T>C (p.Thr1317=)

Gene: BRCA2 (BRCA2 DNA repair associated; plus strand). Cytogenetic location: 13q13.1.
Variant type: single nucleotide variant.
Coding change: c.3951T>C on transcript NM_000059.4 (MANE Select); coding-DNA position 3951, T replaced by C.
Protein change: p.Thr1317=; no amino-acid change (threonine 1317 retained).
Molecular consequence: synonymous variant.
Genome position (GRCh38, 1-based): chr13:32,338,306, T>C. VCF-style: chr13-32338306-T-C. GRCh37 (hg19) VCF-style: chr13-32912443-T-C.
Identifiers: ClinVar variation 427497 (VCV000427497.15), dbSNP rs767150281, ClinGen allele CA6940734.

ClinVar aggregate classification (germline): Likely benign. Review status: reviewed by expert panel (3 of 4 stars). 3 submissions from 3 submitters: Likely benign (1). 2 of the submissions do not count toward it. Last evaluated 2017-06-29.

Conditions:
Hereditary cancer-predisposing syndrome. Also called: Hereditary neoplastic syndrome; Hereditary Cancer Syndrome; Neoplastic Syndromes, Hereditary; Tumor predisposition. Identifiers: Orphanet 140162, MedGen C0027672, MeSH D009386, MONDO:0015356.
Breast-ovarian cancer, familial, susceptibility to, 2 (BROVCA2). Also called: BRCA2 Hereditary Breast and Ovarian Cancer. Identifiers: Orphanet 145, MedGen C2675520, MONDO:0012933, OMIM 612555. Disease mechanism: loss of function.
Hereditary breast ovarian cancer syndrome. Also called: Hereditary breast and ovarian cancer syndrome; BRCA1- and BRCA2-Associated Hereditary Breast and Ovarian Cancer; Hereditary breast and/or ovarian cancer syndrome; Hereditary breast and ovarian cancer; Breast and ovarian cancer; Hereditary breast and ovarian cancer syndrome (HBOC). Identifiers: Orphanet 145, MedGen C0677776, MeSH D061325, MONDO:0003582. Disease mechanism: loss of function.

Allele frequency attached by ClinVar (database versions not stated): ExAC 0.00001; gnomAD exomes 0.00001.
gnomAD v4.1: 5 of 1,583,344 alleles (0.00032%); highest among the groups gnomAD compares: South Asian, 0.0059%; no homozygotes.

Submissions (3):

Evidence-based Network for the Interpretation of Germline Mutant Alleles (ENIGMA)
Classification: Likely benign for Breast-ovarian cancer, familial, susceptibility to, 2. Last evaluated: 2017-06-29. Review status: reviewed by expert panel. Criteria: ENIGMA BRCA1/2 Classification Criteria (2017-06-29). Collection method: curation. Allele origin: germline.
Comment: Synonymous substitution variant, with low bioinformatic likelihood to result in a splicing aberration (Splicing prior probability 0.02).

Labcorp Genetics (formerly Invitae), Labcorp
Classification: Likely benign for Hereditary breast ovarian cancer syndrome. Last evaluated: 2025-11-10. Review status: criteria provided, single submitter. Criteria: Invitae Variant Classification Sherloc (09022015). Collection method: clinical testing. Allele origin: germline. Not counted in ClinVar's aggregate classification.

Ambry Genetics
Classification: Likely benign for Hereditary cancer-predisposing syndrome. Last evaluated: 2019-07-26. Review status: criteria provided, single submitter. Criteria: Ambry Variant Classification Scheme 2023. Collection method: clinical testing. Allele origin: germline. Not counted in ClinVar's aggregate classification.